The following is an entry in ClinVar:

ClinVar aggregate classification (germline): Uncertain significance. Review status: criteria provided, single submitter (1 of 4 stars). 2 submissions from 2 submitters: Uncertain significance (1). 1 of the submissions does not count toward it. Last evaluated 2022-04-24.

Conditions:
PCNT-related disorder. Also called: PCNT-related condition.

Allele frequency attached by ClinVar (database versions not stated): gnomAD exomes below 0.00001.
gnomAD v4.1: 8 of 1,614,026 alleles (0.0005%); highest among the groups gnomAD compares: Non-Finnish European, 0.00068%; no homozygotes.

Submissions (2):

Labcorp Genetics (formerly Invitae), Labcorp
Classification: Uncertain significance. Last evaluated: 2022-04-24. Review status: criteria provided, single submitter. Criteria: Invitae Variant Classification Sherloc (09022015). Collection method: clinical testing. Allele origin: germline.
Comment: This sequence change replaces glutamine, which is neutral and polar, with glutamic acid, which is acidic and polar, at codon 2069 of the PCNT protein (p.Gln2069Glu). This variant is present in population databases (no rsID available, gnomAD 0.0009%). This variant has not been reported in the literature in individuals affected with PCNT-related conditions. Algorithms developed to predict the effect of missense changes on protein structure and function (SIFT, PolyPhen-2, Align-GVGD) all suggest that this variant is likely to be tolerated. In summary, the available evidence is currently insufficient to determine the role of this variant in disease. Therefore, it has been classified as a Variant of Uncertain Significance.

PreventionGenetics, part of Exact Sciences
Classification: Uncertain significance for PCNT-related condition. Last evaluated: 2024-02-26. Review status: no assertion criteria provided. Collection method: clinical testing. Allele origin: germline. Not counted in ClinVar's aggregate classification.
Comment: The PCNT c.6205C>G variant is predicted to result in the amino acid substitution p.Gln2069Glu. To our knowledge, this variant has not been reported in the literature. This variant is reported in 0.00088% of alleles in individuals of European (Non-Finnish) descent in gnomAD. At this time, the clinical significance of this variant is uncertain due to the absence of conclusive functional and genetic evidence.

NM_006031.6(PCNT):c.6205C>G (p.Gln2069Glu)

Gene: PCNT (pericentrin; plus strand). Cytogenetic location: 21q22.3.
Variant type: single nucleotide variant.
Coding change: c.6205C>G on transcript NM_006031.6 (MANE Select); coding-DNA position 6205, C replaced by G.
Protein change: p.Gln2069Glu; replaces glutamine 2069 with glutamic acid.
Molecular consequence: missense variant.
Genome position (GRCh38, 1-based): chr21:46,416,123, C>G. VCF-style: chr21-46416123-C-G. GRCh37 (hg19) VCF-style: chr21-47836037-C-G.
Other names: c.5851C>G, p.Gln1951Glu (NM_001315529.2); c.6205C>G (NM_006031.5); short protein forms Q1951E, Q2069E.
Identifiers: ClinVar variation 1941028 (VCV001941028.4), dbSNP rs1210274793, ClinGen allele CA410562344.
Genomic context (GRCh38, chr21:46,416,123, plus strand): 5'-CTGCAGGGTAAAGAAAAAGTACTGGAAGATTGTCAGCTGCCGAAGGTCGATCTCGTAGCT[C>G]AGGTGAAACAGCTTCAGGAAAAACTGAACCGTTTGCTGTATTCCATGACCTTCCAGAATG-3'
Protein context (NP_006022.3, residues 2059-2079): CQLPKVDLVA[Gln2069Glu]VKQLQEKLNR